The following is an entry in ClinVar:

ClinVar aggregate classification (germline): Uncertain significance. Review status: criteria provided, multiple submitters, no conflicts (2 of 4 stars). 6 submissions from 6 submitters: Uncertain significance (6). Last evaluated 2025-12-18.

Conditions:
Polymerase proofreading-related adenomatous polyposis. Also called: Polymerase proofreading associated polyposis; Polymerase proofreading–associated polyposis (PPAP). Identifiers: Orphanet 447877, MedGen C5202613, MONDO:0018653.
Familial colorectal cancer type X. Identifiers: Orphanet 440437, MedGen C3896578, MONDO:0018604.
Hereditary cancer-predisposing syndrome. Also called: Tumor predisposition; Hereditary neoplastic syndrome; Hereditary Cancer Syndrome; Neoplastic Syndromes, Hereditary. Identifiers: Orphanet 140162, MedGen C0027672, MeSH D009386, MONDO:0015356.

Allele frequency attached by ClinVar (database versions not stated): gnomAD exomes 0.00001 and 0.00003; TOPMed 0.00003; ExAC 0.00004; gnomAD 0.00002; ESP Exome Variant Server 0.00008.
gnomAD v4.1: 13 of 1,610,030 alleles (0.00081%); highest among the groups gnomAD compares: African/African-American, 0.0027%; no homozygotes.

Submissions (6):

Labcorp Genetics (formerly Invitae), Labcorp
Classification: Uncertain significance. Last evaluated: 2025-12-18. Review status: criteria provided, single submitter. Criteria: Invitae Variant Classification Sherloc (09022015). Collection method: clinical testing. Allele origin: germline.
Comment: This sequence change replaces arginine, which is basic and polar, with cysteine, which is neutral and slightly polar, at codon 2165 of the POLE protein (p.Arg2165Cys). This variant is present in population databases (rs369549727, gnomAD 0.005%). This variant has not been reported in the literature in individuals affected with POLE-related conditions. ClinVar contains an entry for this variant (Variation ID: 240597). Invitae Evidence Modeling of protein sequence and biophysical properties (such as structural, functional, and spatial information, amino acid conservation, physicochemical variation, residue mobility, and thermodynamic stability) indicates that this missense variant is not expected to disrupt POLE protein function with a negative predictive value of 80%. In summary, the available evidence is currently insufficient to determine the role of this variant in disease. Therefore, it has been classified as a Variant of Uncertain Significance.

Ambry Genetics
Classification: Uncertain significance for Hereditary cancer-predisposing syndrome. Last evaluated: 2025-01-07. Review status: criteria provided, single submitter. Criteria: Ambry Variant Classification Scheme 2023. Collection method: clinical testing. Allele origin: germline.
Comment: The p.R2165C variant (also known as c.6493C>T), located in coding exon 46 of the POLE gene, results from a C to T substitution at nucleotide position 6493. The arginine at codon 2165 is replaced by cysteine, an amino acid with highly dissimilar properties. This amino acid position is highly conserved in available vertebrate species. In addition, the in silico prediction for this alteration is inconclusive. Based on the available evidence, the clinical significance of this variant remains unclear.

Dasa
Classification: Uncertain significance. Last evaluated: 2024-12-11. Review status: criteria provided, single submitter. Criteria: DASA Assertion Criteria. Collection method: clinical testing. Allele origin: germline.
Comment: NM_006231.4(POLE):c.6493C>T (p.Arg2165Cys) is a missense variant that results in the substitution of arginine with cysteine. This variant is rare in population databases. Computational prediction algorithms are consistent with a benign effect. The currently available literature and clinical evidence are not sufficient to establish a definitive association between this variant and the reported condition. Therefore, this variant is classified as a variant of uncertain significance.

GeneDx
Classification: Uncertain significance. Last evaluated: 2023-12-01. Review status: criteria provided, single submitter. Criteria: GeneDx Variant Classification Process June 2021. Collection method: clinical testing. Allele origin: germline. Affected: yes.
Comment: Has not been previously published as pathogenic or benign to our knowledge; In silico analysis supports that this missense variant has a deleterious effect on protein structure/function; This variant is associated with the following publications: (PMID: 19296856)

Department of Pathology and Laboratory Medicine, Sinai Health System
Classification: Uncertain significance for Polymerase proofreading-related adenomatous polyposis; Familial colorectal cancer type X. Last evaluated: 2022-12-07. Review status: criteria provided, single submitter. Criteria: ACMG Guidelines, 2015. Collection method: clinical testing. Allele origin: germline. Affected: yes.

Laboratory for Molecular Medicine, Mass General Brigham Personalized Medicine
Classification: Uncertain significance. Last evaluated: 2018-08-22. Review status: criteria provided, single submitter. Criteria: LMM Criteria. Collection method: clinical testing. Allele origin: germline. Observed: 1 variant allele.
Comment: The p.Arg2165Cys variant in POLE has not been previously reported in the literat ure in individuals with colorectal cancer but has been reported by other clinica l laboratories in ClinVar (Variation ID 240597). It has also been identified in 1/18498 East Asian chromosomes by gnomAD (dbSN P rs369549727). Computational prediction tools and conservation analysis suggest that the p.Arg2165Cys variant may impact the protein, though this information i s not predictive enough to determine pathogenicity. In summary, the clinical sig nificance of the p.Arg2165Cys variant is uncertain. ACMG/AMP Criteria applied: P P3, PM2.

NM_006231.4(POLE):c.6493C>T (p.Arg2165Cys)

Gene: POLE (DNA polymerase epsilon, catalytic subunit; minus strand). Cytogenetic location: 12q24.33.
Variant type: single nucleotide variant.
Coding change: c.6493C>T on transcript NM_006231.4 (MANE Select); coding-DNA position 6493, C replaced by T.
Protein change: p.Arg2165Cys; replaces arginine 2165 with cysteine.
Molecular consequence: missense variant.
Genome position (GRCh38, 1-based): chr12:132,626,155, G>A on the plus strand (C>T on the coding strand, the complement: POLE is on the minus strand). VCF-style: chr12-132626155-G-A. GRCh37 (hg19) VCF-style: chr12-133202741-G-A.
Other names: short protein forms R2165C.
Identifiers: ClinVar variation 240597 (VCV000240597.19), dbSNP rs369549727, ClinGen allele CA6892167.